The following is an entry in ClinVar:

ClinVar aggregate classification (germline): Pathogenic (1 of 4 stars; one submission).

Conditions:
Charlevoix-Saguenay spastic ataxia (SACS). Also called: AUTOSOMAL RECESSIVE SPASTIC ATAXIA OF CHARLEVOIX-SAGUENAY; Spastic ataxia of Charlevoix-Saguenay; SPASTIC ATAXIA 6, AUTOSOMAL RECESSIVE. Identifiers: Orphanet 98, MedGen C1849140, MONDO:0010041, OMIM 270550.

Submission:

Myriad Genetics, Inc.
Classification: Pathogenic for Charlevoix-Saguenay spastic ataxia. Last evaluated: 2026-07-21. Review status: criteria provided, single submitter. Criteria: Myriad Autosomal Dominant, Autosomal Recessive and X-Linked Classification Criteria (2023). Collection method: clinical testing. Allele origin: unknown.
Comment: NM_014363.4(SACS):c.2519T>G(L840*) is a nonsense variant classified as pathogenic in the context of autosomal recessive spastic ataxia of Charlevoix-Saguenay. L840* has not been observed in cases with relevant disease. Relevant functional assessments of this variant are not available in the literature. L840* has not been observed in referenced population frequency databases. In summary, NM_014363.4(SACS):c.2519T>G(L840*) is a nonsense variant in a gene where loss of function is a known mechanism of disease and is predicted to disrupt protein function. Please note: this variant was assessed in the context of healthy population screening.

NM_014363.6(SACS):c.2519T>G (p.Leu840Ter)

Gene: SACS (sacsin molecular chaperone; minus strand). Cytogenetic location: 13q12.12.
Variant type: single nucleotide variant.
Coding change: c.2519T>G on transcript NM_014363.6 (MANE Select); coding-DNA position 2519, T replaced by G.
Protein change: p.Leu840Ter; replaces leucine 840 with a stop codon.
Molecular consequence: nonsense.
Genome position (GRCh38, 1-based): chr13:23,341,357, A>C on the plus strand (T>G on the coding strand, the complement: SACS is on the minus strand). VCF-style: chr13-23341357-A-C. GRCh37 (hg19) VCF-style: chr13-23915496-A-C.
Other names: c.2078T>G, p.Leu693Ter (NM_001278055.2); c.2546T>G, p.Leu849Ter (NM_001437336.1); short protein forms L849*, L840*, L693*.
Identifiers: ClinVar variation 5004804 (VCV005004804.1).
Genomic context (GRCh38, chr13:23,341,357, plus strand): 5'-TGTATAGATGCATCTAATTTTTTAAGGACAAACCCTCCAAGTTTTTGTACAATGTCTGCT[A>C]AAAATTCTGGAAGCTGTGCTTCAGATTCATCGTCTAAAATGACTAACGATGGAATCCTGA-3'